The following is an entry in ClinVar:

ClinVar aggregate classification (germline): Uncertain significance (1 of 4 stars; one submission).

Submission:

Labcorp Genetics (formerly Invitae), Labcorp
Classification: Uncertain significance. Last evaluated: 2022-02-05. Review status: criteria provided, single submitter. Criteria: Invitae Variant Classification Sherloc (09022015). Collection method: clinical testing. Allele origin: germline.
Comment: This sequence change replaces glycine, which is neutral and non-polar, with aspartic acid, which is acidic and polar, at codon 961 of the LAMC3 protein (p.Gly961Asp). This variant is not present in population databases (gnomAD no frequency). This variant has not been reported in the literature in individuals affected with LAMC3-related conditions. Algorithms developed to predict the effect of missense changes on protein structure and function are either unavailable or do not agree on the potential impact of this missense change (SIFT: "Deleterious"; PolyPhen-2: "Probably Damaging"; Align-GVGD: "Class C0"). In summary, the available evidence is currently insufficient to determine the role of this variant in disease. Therefore, it has been classified as a Variant of Uncertain Significance.

NM_006059.4(LAMC3):c.2882G>A (p.Gly961Asp)

Gene: LAMC3 (laminin subunit gamma 3; plus strand). Cytogenetic location: 9q34.12.
Variant type: single nucleotide variant.
Coding change: c.2882G>A on transcript NM_006059.4 (MANE Select); coding-DNA position 2882, G replaced by A.
Protein change: p.Gly961Asp; replaces glycine 961 with aspartic acid.
Molecular consequence: missense variant.
Genome position (GRCh38, 1-based): chr9:131,069,042, G>A. VCF-style: chr9-131069042-G-A. GRCh37 (hg19) VCF-style: chr9-133944429-G-A.
Other names: short protein forms G961D.
Identifiers: ClinVar variation 1513160 (VCV001513160.5), dbSNP rs2133318194, ClinGen allele CA375255105.
Genomic context (GRCh38, chr9:131,069,042, plus strand): 5'-GTGTCACAGGCCAGGCCTGTGACAGGTGCCAGCTGGGTTTCTTCGGCTTCTCCATCAAGG[G>A]CTGCCGGGGTAAGGAGGCTGGGTCCTTCCCGGGCTGCCCTGAGGGTGGGGCCCGAGGGTC-3'
Protein context (NP_006050.3, residues 951-971): QLGFFGFSIK[Gly961Asp]CRACRCSPLG